The following is an entry in ClinVar:

NM_003331.5(TYK2):c.2902G>T (p.Asp968Tyr)

Gene: TYK2 (tyrosine kinase 2; minus strand). Cytogenetic location: 19p13.2.
Variant type: single nucleotide variant.
Coding change: c.2902G>T on transcript NM_003331.5 (MANE Select); coding-DNA position 2902, G replaced by T.
Protein change: p.Asp968Tyr; replaces aspartic acid 968 with tyrosine.
Molecular consequence: missense variant.
Genome position (GRCh38, 1-based): chr19:10,354,048, C>A on the plus strand (G>T on the coding strand, the complement: TYK2 is on the minus strand). VCF-style: chr19-10354048-C-A. GRCh37 (hg19) VCF-style: chr19-10464724-C-A.
Other names: c.2902G>T, p.Asp968Tyr (NM_001385197.1, NM_001385198.1); c.2716G>T, p.Asp906Tyr (NM_001385199.1); c.2899G>T, p.Asp967Tyr (NM_001385200.1); c.2704G>T, p.Asp902Tyr (NM_001385201.1); c.2818G>T, p.Asp940Tyr (NM_001385202.1); c.2983G>T, p.Asp995Tyr (NM_001385203.1); c.3112G>T, p.Asp1038Tyr (NM_001385204.1); c.2812G>T, p.Asp938Tyr (NM_001385205.1); and 2 more; short protein forms D1038Y, D902Y, D906Y, D926Y, D938Y, D940Y, D962Y, D967Y.
Identifiers: ClinVar variation 1064190 (VCV001064190.9), dbSNP rs1438500444, ClinGen allele CA403987597.

ClinVar aggregate classification (germline): Uncertain significance (1 of 4 stars; one submission).

Conditions:
Immunodeficiency 35 (IMD35). Also called: Susceptibility to infection due to TYK2 deficiency; HIES WITH ATYPICAL MYCOBACTERIOSIS, AUTOSOMAL RECESSIVE; HYPER-IgE SYNDROME WITH ATYPICAL MYCOBACTERIOSIS, AUTOSOMAL RECESSIVE; TYK2 DEFICIENCY. Identifiers: Orphanet 331226, MedGen C1969086, MONDO:0012682, OMIM 611521.

Allele frequency attached by ClinVar (database versions not stated): TOPMed below 0.00001; gnomAD 0.00001.
gnomAD v4.1: 1 of 1,613,986 alleles (0.000062%); highest among the groups gnomAD compares: Non-Finnish European, 0.000085%; no homozygotes.

Submission:

Labcorp Genetics (formerly Invitae), Labcorp
Classification: Uncertain significance for Immunodeficiency 35. Last evaluated: 2022-08-15. Review status: criteria provided, single submitter. Criteria: Invitae Variant Classification Sherloc (09022015). Collection method: clinical testing. Allele origin: germline.
Comment: In summary, the available evidence is currently insufficient to determine the role of this variant in disease. Therefore, it has been classified as a Variant of Uncertain Significance. Algorithms developed to predict the effect of missense changes on protein structure and function are either unavailable or do not agree on the potential impact of this missense change (SIFT: "Not Available"; PolyPhen-2: "Probably Damaging"; Align-GVGD: "Not Available"). ClinVar contains an entry for this variant (Variation ID: 1064190). This variant has not been reported in the literature in individuals affected with TYK2-related conditions. This variant is not present in population databases (gnomAD no frequency). This sequence change replaces aspartic acid, which is acidic and polar, with tyrosine, which is neutral and polar, at codon 968 of the TYK2 protein (p.Asp968Tyr).